The following is an entry in ClinVar:

NM_000492.4(CFTR):c.4025_4028dup (p.Cys1344fs)

Gene: CFTR (CF transmembrane conductance regulator; plus strand). Cytogenetic location: 7q31.2.
Variant type: Duplication.
Coding change: c.4025_4028dup on transcript NM_000492.4 (MANE Select); coding-DNA positions 4025 to 4028, 4 bases duplicated (GGGG; older notation c.4025_4028dupGGGG).
Protein change: p.Cys1344fs; shifts the reading frame from cysteine 1344.
Molecular consequence: frameshift variant.
Genome position (GRCh38, 1-based): chr7:117,664,749-117,664,752, GGGG duplicated; duplicating any 4 consecutive bases within chr7:117,664,748-117,664,752 gives the same sequence; the c. name uses the placement nearest the transcript's 3' end. VCF-style (leftmost placement, unchanged base first): chr7-117664747-T-TGGGG. GRCh37 (hg19) VCF-style: chr7-117304801-T-TGGGG.
Other names: c.4025_4028dupGGGG (NM_000492.3); short protein forms C1344fs.
Identifiers: ClinVar variation 53875 (VCV000053875.2), dbSNP rs397508661, ClinGen allele CA327384.

ClinVar aggregate classification (germline): Likely pathogenic. Review status: criteria provided, single submitter (1 of 4 stars). 2 submissions from 2 submitters: Likely pathogenic (1). 1 of the submissions does not count toward it. Last evaluated 2024-05-30.

Conditions:
CFTR-related disorder (CFTR-RD). Also called: CFTR-related disorders; CFTR-related condition. Identifiers: MedGen C5924204, MONDO:7770004.
Cystic fibrosis (CF). Also called: MUCOVISCIDOSIS. Identifiers: Orphanet 586, MedGen C0010674, MONDO:0009061, OMIM 219700. Disease mechanism: loss of function.

Submissions (2):

Natera, Inc.
Classification: Likely pathogenic for CFTR-related disorders. Last evaluated: 2024-05-30. Review status: criteria provided, single submitter. Criteria: Natera Variant Classification Schema (03/2026). Collection method: clinical testing. Allele origin: germline.
Comment: The c.4025_4028dupGGGG variant in CFTR is a frameshift variant predicted to shift the reading frame beginning at codon 1344 and leads to a stop codon 16 codons downstream. This variant is expected to result in nonsense mediated decay, truncation, or a dysfunctional protein product. This variant is rare in the general population with a frequency below the threshold expected for the associated phenotype(s). Given the available evidence, this variant is classified as Likely Pathogenic.

ClinVar Staff, National Center for Biotechnology Information (NCBI)
No classification provided. Condition: CFTR-related disorders. Review status: no classification provided. Collection method: literature only. Allele origin: germline. Affected: yes. Not counted in ClinVar's aggregate classification.

Literature cited by the submitters: PubMed 21416780 (cited by ClinVar Staff, National Center for Biotechnology Information (NCBI)).